The following is an entry in ClinVar:

ClinVar aggregate classification (germline): Pathogenic (1 of 4 stars; one submission).

Submission:

Labcorp Genetics (formerly Invitae), Labcorp
Classification: Pathogenic. Last evaluated: 2024-03-17. Review status: criteria provided, single submitter. Criteria: Invitae Variant Classification Sherloc (09022015). Collection method: clinical testing. Allele origin: germline.
Comment: This sequence change creates a premature translational stop signal (p.Gln2018*) in the ABCA12 gene. It is expected to result in an absent or disrupted protein product. Loss-of-function variants in ABCA12 are known to be pathogenic (PMID: 20672373). This variant is not present in population databases (gnomAD no frequency). This variant has not been reported in the literature in individuals affected with ABCA12-related conditions. Algorithms developed to predict the effect of sequence changes on RNA splicing suggest that this variant may disrupt the consensus splice site. For these reasons, this variant has been classified as Pathogenic.

Literature cited by the submitters: PubMed 20672373.

NM_173076.3(ABCA12):c.6052C>T (p.Gln2018Ter)

Genes: ABCA12 (ATP binding cassette subfamily A member 12; minus strand), SNHG31 (small nucleolar RNA host gene 31; plus strand). Cytogenetic location: 2q35.
Variant type: single nucleotide variant.
Coding change: c.6052C>T on transcript NM_173076.3 (MANE Select); coding-DNA position 6052, C replaced by T.
Protein change: p.Gln2018Ter; replaces glutamine 2018 with a stop codon.
Molecular consequence: nonsense. On other transcripts: non-coding transcript variant (1).
Genome position (GRCh38, 1-based): chr2:214,958,342, G>A on the plus strand (C>T on the coding strand, the complement: ABCA12 is on the minus strand). VCF-style: chr2-214958342-G-A. GRCh37 (hg19) VCF-style: chr2-215823066-G-A.
Other names: c.5098C>T, p.Gln1700Ter (NM_015657.4); short protein forms Q2018*, Q1700*.
Identifiers: ClinVar variation 3646463 (VCV003646463.2).
Genomic context (GRCh38, chr2:214,958,342, plus strand): 5'-CATAAATGAAGTTTGTTACCCAGTAGCATGTCACGCCAATGCCTGAAATGTGCTGCAACT[G>A]TTTGGCTTTGGTTTGATGTTCCCTTACAACATAGGTGACAAAGCTGGCGGTGGTGACAGA-3'